The following is an entry in ClinVar:

ClinVar aggregate classification (germline): Likely benign. Review status: criteria provided, multiple submitters, no conflicts (2 of 4 stars). 3 submissions from 3 submitters: Likely benign (2). 1 of the submissions does not count toward it. Last evaluated 2025-06-22.

Conditions:
NEB-related disorder. Also called: NEB-related condition; NEB-Related Disorders.
Nemaline myopathy 2 (NEM2). Also called: Nemaline myopathy 2, autosomal recessive. Identifiers: MedGen C1850569, MONDO:0009725, OMIM 256030.

Allele frequency attached by ClinVar (database versions not stated): ExAC 0.00001; gnomAD 0.00001; TOPMed 0.00001; gnomAD exomes 0.00002.
gnomAD v4.1: 29 of 1,613,776 alleles (0.0018%); highest among the groups gnomAD compares: Middle Eastern, 0.066%; no homozygotes.

Submissions (3):

Labcorp Genetics (formerly Invitae), Labcorp
Classification: Likely benign for Nemaline myopathy 2. Last evaluated: 2025-06-22. Review status: criteria provided, single submitter. Criteria: Invitae Variant Classification Sherloc (09022015). Collection method: clinical testing. Allele origin: germline.

CeGaT Center for Human Genetics Tuebingen
Classification: Likely benign. Last evaluated: 2024-07-01. Review status: criteria provided, single submitter. Criteria: CeGaT Center For Human Genetics Tuebingen Variant Classification Criteria Version 2. Collection method: clinical testing. Allele origin: germline. Affected: yes. Observed: 1 variant allele.
Comment: NEB: BP4, BP7

PreventionGenetics, part of Exact Sciences
Classification: Likely benign for NEB-related condition. Last evaluated: 2023-05-10. Review status: no assertion criteria provided. Collection method: clinical testing. Allele origin: germline. Not counted in ClinVar's aggregate classification.
Comment: This variant is classified as likely benign based on ACMG/AMP sequence variant interpretation guidelines (Richards et al. 2015 PMID: 25741868, with internal and published modifications).

NM_001164508.2(NEB):c.7767C>T (p.Tyr2589=)

Gene: NEB (nebulin; minus strand). Cytogenetic location: 2q23.3.
Variant type: single nucleotide variant.
Coding change: c.7767C>T on transcript NM_001164508.2 (MANE Select); coding-DNA position 7767, C replaced by T.
Protein change: p.Tyr2589=; no amino-acid change (tyrosine 2589 retained).
Molecular consequence: synonymous variant.
Genome position (GRCh38, 1-based): chr2:151,644,007, G>A on the plus strand (C>T on the coding strand, the complement: NEB is on the minus strand). VCF-style: chr2-151644007-G-A. GRCh37 (hg19) VCF-style: chr2-152500521-G-A.
Other names: c.7767C>T (NM_001271208.1); c.7767C>T, p.Tyr2589= (NM_001164507.2, NM_001271208.2, NM_004543.5).
Identifiers: ClinVar variation 1095618 (VCV001095618.27), dbSNP rs759056844, ClinGen allele CA1909758.